The following is an entry in ClinVar:

NM_000052.7(ATP7A):c.4441G>A (p.Glu1481Lys)

Gene: ATP7A (ATPase copper transporting alpha; plus strand). Cytogenetic location: Xq21.1.
Variant type: single nucleotide variant.
Coding change: c.4441G>A on transcript NM_000052.7 (MANE Select); coding-DNA position 4441, G replaced by A.
Protein change: p.Glu1481Lys; replaces glutamic acid 1481 with lysine.
Molecular consequence: missense variant. On other transcripts: non-coding transcript variant (1).
Genome position (GRCh38, 1-based): chrX:78,046,508, G>A. VCF-style: chrX-78046508-G-A. GRCh37 (hg19) VCF-style: chrX-77302005-G-A.
Other names: c.4207G>A, p.Glu1403Lys (NM_001282224.2); short protein forms E1403K, E1481K.
Identifiers: ClinVar variation 4789458 (VCV004789458.1).
Genomic context (GRCh38, chrX:78,046,508, plus strand): 5'-AGAGCCTCTATAAACTCACTACTGTCTGATAAACGCTCCCTAAACAGTGTTGTTACCAGT[G>A]AACCTGACAAGCACTCACTCCTGGTGGGAGACTTCAGGGAAGATGATGACACTGCATTAT-3'
Protein context (NP_000043.4, residues 1471-1491): KRSLNSVVTS[Glu1481Lys]PDKHSLLVGD

ClinVar aggregate classification (germline): Uncertain significance (1 of 4 stars; one submission).

Conditions:
Menkes kinky-hair syndrome (MNK). Also called: Menkes Disease; Copper transport disease; Classic Menkes Disease. Identifiers: Orphanet 565, MedGen C0022716, MONDO:0010651, OMIM 309400.
Cutis laxa, X-linked (OHS). Also called: EDS IX; Occipital horn syndrome. Identifiers: Orphanet 198, MedGen C0268353, MONDO:0010572, OMIM 304150.
X-linked distal spinal muscular atrophy type 3. Also called: ATP7A-Related Distal Motor Neuropathy; SPINAL MUSCULAR ATROPHY, DISTAL, X-LINKED RECESSIVE; NEURONOPATHY, DISTAL HEREDITARY MOTOR, X-LINKED; NEUROPATHY, DISTAL HEREDITARY MOTOR, X-LINKED. Identifiers: Orphanet 139557, MedGen C1845359, MONDO:0010338, OMIM 300489.

Submission:

Labcorp Genetics (formerly Invitae), Labcorp
Classification: Uncertain significance for X-linked distal spinal muscular atrophy type 3; Cutis laxa, X-linked; Menkes kinky-hair syndrome. Last evaluated: 2025-06-29. Review status: criteria provided, single submitter. Criteria: Invitae Variant Classification Sherloc (09022015). Collection method: clinical testing. Allele origin: germline.
Comment: This sequence change replaces glutamic acid, which is acidic and polar, with lysine, which is basic and polar, at codon 1481 of the ATP7A protein (p.Glu1481Lys). This variant is not present in population databases (gnomAD no frequency). This variant has not been reported in the literature in individuals affected with ATP7A-related conditions. Invitae Evidence Modeling of protein sequence and biophysical properties (such as structural, functional, and spatial information, amino acid conservation, physicochemical variation, residue mobility, and thermodynamic stability) indicates that this missense variant is not expected to disrupt ATP7A protein function with a negative predictive value of 95%. In summary, the available evidence is currently insufficient to determine the role of this variant in disease. Therefore, it has been classified as a Variant of Uncertain Significance.